The following is an entry in ClinVar:

ClinVar aggregate classification (germline): Pathogenic (1 of 4 stars; one submission).

Allele frequency attached by ClinVar (database versions not stated): gnomAD exomes 0.00001.
gnomAD v4.1: 6 of 1,612,662 alleles (0.00037%); highest among the groups gnomAD compares: Non-Finnish European, 0.00051%; no homozygotes.

Submission:

Labcorp Genetics (formerly Invitae), Labcorp
Classification: Pathogenic. Last evaluated: 2023-04-09. Review status: criteria provided, single submitter. Criteria: Invitae Variant Classification Sherloc (09022015). Collection method: clinical testing. Allele origin: germline.
Comment: For these reasons, this variant has been classified as Pathogenic. Algorithms developed to predict the effect of sequence changes on RNA splicing suggest that this variant may disrupt the consensus splice site. This variant has not been reported in the literature in individuals affected with RARS2-related conditions. This variant is not present in population databases (gnomAD no frequency). This sequence change creates a premature translational stop signal (p.Gln406*) in the RARS2 gene. It is expected to result in an absent or disrupted protein product. Loss-of-function variants in RARS2 are known to be pathogenic (PMID: 17847012, 22569581, 26083569).

Literature cited by the submitters: PubMed 17847012; PubMed 22569581; PubMed 26083569.

NM_020320.5(RARS2):c.1216C>T (p.Gln406Ter)

Gene: RARS2 (arginyl-tRNA synthetase 2, mitochondrial; minus strand). Cytogenetic location: 6q15.
Variant type: single nucleotide variant.
Coding change: c.1216C>T on transcript NM_020320.5 (MANE Select); coding-DNA position 1216, C replaced by T.
Protein change: p.Gln406Ter; replaces glutamine 406 with a stop codon.
Molecular consequence: nonsense. On other transcripts: non-coding transcript variant (23).
Genome position (GRCh38, 1-based): chr6:87,519,604, G>A on the plus strand (C>T on the coding strand, the complement: RARS2 is on the minus strand). VCF-style: chr6-87519604-G-A. GRCh37 (hg19) VCF-style: chr6-88229322-G-A.
Other names: c.691C>T, p.Gln231Ter (NM_001318785.2, NM_001350506.2, NM_001350507.2 and 4 more transcripts); c.1216C>T, p.Gln406Ter (NM_001350505.2); short protein forms Q406*, Q231*.
Identifiers: ClinVar variation 2854165 (VCV002854165.3), dbSNP rs2483156696, ClinGen allele CA364923772.